The following is an entry in ClinVar:

ClinVar aggregate classification (germline): Conflicting classifications of pathogenicity. Review status: criteria provided, conflicting classifications (1 of 4 stars). 2 submissions from 2 submitters: Uncertain significance (1); Benign (1). Last evaluated 2025-02-16.

Conditions:
Lipodystrophy, partial, acquired, susceptibility to (APLD). Also called: APLD, SUSCEPTIBILITY TO. Identifiers: MedGen C3887501, MONDO:0100476, OMIM 608709.
Progressive myoclonic epilepsy type 9. Identifiers: Orphanet 457265, MedGen C4225289, MONDO:0014685, OMIM 616540.

Allele frequency attached by ClinVar (database versions not stated): gnomAD exomes below 0.00001 and 0.00001; ExAC 0.00001; gnomAD 0.00001.
gnomAD v4.1: 9 of 1,611,332 alleles (0.00056%); highest among the groups gnomAD compares: East Asian, 0.0022%; no homozygotes.

Submissions (2):

Laboratory of Genetics, Children's Clinical University Hospital Latvia
Classification: Benign. Last evaluated: 2025-02-16. Review status: criteria provided, single submitter. Criteria: ACMG Guidelines, 2015. Collection method: clinical testing. Allele origin: germline. Affected: yes.

Labcorp Genetics (formerly Invitae), Labcorp
Classification: Uncertain significance for Progressive myoclonic epilepsy type 9; Lipodystrophy, partial, acquired, susceptibility to. Last evaluated: 2024-10-22. Review status: criteria provided, single submitter. Criteria: Invitae Variant Classification Sherloc (09022015). Collection method: clinical testing. Allele origin: germline.
Comment: This sequence change replaces serine, which is neutral and polar, with leucine, which is neutral and non-polar, at codon 492 of the LMNB2 protein (p.Ser492Leu). This variant is present in population databases (rs779868941, gnomAD 0.003%). This variant has not been reported in the literature in individuals affected with LMNB2-related conditions. ClinVar contains an entry for this variant (Variation ID: 1413080). Invitae Evidence Modeling of protein sequence and biophysical properties (such as structural, functional, and spatial information, amino acid conservation, physicochemical variation, residue mobility, and thermodynamic stability) indicates that this missense variant is expected to disrupt LMNB2 protein function with a positive predictive value of 80%. In summary, the available evidence is currently insufficient to determine the role of this variant in disease. Therefore, it has been classified as a Variant of Uncertain Significance.

NM_032737.4(LMNB2):c.1475C>T (p.Ser492Leu)

Gene: LMNB2 (lamin B2; minus strand). Cytogenetic location: 19p13.3.
Variant type: single nucleotide variant.
Coding change: c.1475C>T on transcript NM_032737.4 (MANE Select); coding-DNA position 1475, C replaced by T.
Protein change: p.Ser492Leu; replaces serine 492 with leucine.
Molecular consequence: missense variant.
Genome position (GRCh38, 1-based): chr19:2,433,833, G>A on the plus strand (C>T on the coding strand, the complement: LMNB2 is on the minus strand). VCF-style: chr19-2433833-G-A. GRCh37 (hg19) VCF-style: chr19-2433831-G-A.
Other names: short protein forms S492L.
Identifiers: ClinVar variation 1413080 (VCV001413080.7), dbSNP rs779868941, ClinGen allele CA9067488.